The following is an entry in ClinVar:

ClinVar aggregate classification (germline): Uncertain significance. Review status: criteria provided, multiple submitters, no conflicts (2 of 4 stars). 2 submissions from 2 submitters: Uncertain significance (2). Last evaluated 2024-04-29.

Conditions:
Inborn genetic diseases. Identifiers: MedGen C0950123, MeSH D030342.

Allele frequency attached by ClinVar (database versions not stated): gnomAD 0.00001; gnomAD exomes 0.00001; ExAC 0.00002.
gnomAD v4.1: 12 of 1,613,980 alleles (0.00074%); highest among the groups gnomAD compares: South Asian, 0.0088%; no homozygotes.

Submissions (2):

Labcorp Genetics (formerly Invitae), Labcorp
Classification: Uncertain significance. Last evaluated: 2024-04-29. Review status: criteria provided, single submitter. Criteria: Invitae Variant Classification Sherloc (09022015). Collection method: clinical testing. Allele origin: germline.
Comment: This sequence change replaces serine, which is neutral and polar, with leucine, which is neutral and non-polar, at codon 436 of the ATR protein (p.Ser436Leu). This variant is present in population databases (rs760248783, gnomAD 0.01%). This variant has not been reported in the literature in individuals affected with ATR-related conditions. ClinVar contains an entry for this variant (Variation ID: 1769548). Algorithms developed to predict the effect of missense changes on protein structure and function output the following: SIFT: "Not Available"; PolyPhen-2: "Benign"; Align-GVGD: "Not Available". The leucine amino acid residue is found in multiple mammalian species, which suggests that this missense change does not adversely affect protein function. In summary, the available evidence is currently insufficient to determine the role of this variant in disease. Therefore, it has been classified as a Variant of Uncertain Significance.

Ambry Genetics
Classification: Uncertain significance for Inborn genetic diseases. Last evaluated: 2024-01-25. Review status: criteria provided, single submitter. Criteria: Ambry Variant Classification Scheme 2023. Collection method: clinical testing. Allele origin: germline.
Comment: The p.S436L variant (also known as c.1307C>T), located in coding exon 5 of the ATR gene, results from a C to T substitution at nucleotide position 1307. The serine at codon 436 is replaced by leucine, an amino acid with dissimilar properties. This amino acid position is conserved. In addition, this alteration is predicted to be tolerated by in silico analysis. Since supporting evidence is limited at this time, the clinical significance of this alteration remains unclear.

NM_001184.4(ATR):c.1307C>T (p.Ser436Leu)

Gene: ATR (ATR checkpoint kinase; minus strand). Cytogenetic location: 3q23.
Variant type: single nucleotide variant.
Coding change: c.1307C>T on transcript NM_001184.4 (MANE Select); coding-DNA position 1307, C replaced by T.
Protein change: p.Ser436Leu; replaces serine 436 with leucine.
Molecular consequence: missense variant.
Genome position (GRCh38, 1-based): chr3:142,561,285, G>A on the plus strand (C>T on the coding strand, the complement: ATR is on the minus strand). VCF-style: chr3-142561285-G-A. GRCh37 (hg19) VCF-style: chr3-142280127-G-A.
Other names: c.1307C>T, p.Ser436Leu (NM_001354579.2); short protein forms S436L.
Identifiers: ClinVar variation 1769548 (VCV001769548.4), dbSNP rs760248783, ClinGen allele CA2650634.